The following is an entry in ClinVar:

NM_022765.4(MICAL1):c.2680C>T (p.Gln894Ter)

Gene: MICAL1 (microtubule associated monooxygenase, calponin and LIM domain containing 1; minus strand). Cytogenetic location: 6q21.
Variant type: single nucleotide variant.
Coding change: c.2680C>T on transcript NM_022765.4 (MANE Select); coding-DNA position 2680, C replaced by T.
Protein change: p.Gln894Ter; replaces glutamine 894 with a stop codon.
Molecular consequence: nonsense.
Genome position (GRCh38, 1-based): chr6:109,445,523, G>A on the plus strand (C>T on the coding strand, the complement: MICAL1 is on the minus strand). VCF-style: chr6-109445523-G-A. GRCh37 (hg19) VCF-style: chr6-109766726-G-A.
Other names: c.2422C>T, p.Gln808Ter (NM_001159291.2); c.2737C>T, p.Gln913Ter (NM_001286613.2); short protein forms Q808*, Q894*, Q913*.
Identifiers: ClinVar variation 1991315 (VCV001991315.4), dbSNP rs745637217, ClinGen allele CA3952796.
Genomic context (GRCh38, chr6:109,445,523, plus strand): 5'-GCAGAGTCCGACGCCATGTTGGGTAGTTATTCATGGTGCCTGAGGTCTTGGCAAAGGTCT[G>A]CAGGGCCTATAGGAGGGTCAGGCCAGTCAGGGATAGGGCCTGGGCCCCCTGGTGGATAGG-3'

ClinVar aggregate classification (germline): Uncertain significance (1 of 4 stars; one submission).

Allele frequency attached by ClinVar (database versions not stated): ExAC 0.00001; gnomAD 0.00002; TOPMed 0.00002; gnomAD exomes below 0.00001.
gnomAD v4.1: 5 of 1,613,984 alleles (0.00031%); highest among the groups gnomAD compares: African/African-American, 0.0053%; no homozygotes.

Submission:

Labcorp Genetics (formerly Invitae), Labcorp
Classification: Uncertain significance. Last evaluated: 2023-12-18. Review status: criteria provided, single submitter. Criteria: Invitae Variant Classification Sherloc (09022015). Collection method: clinical testing. Allele origin: germline.
Comment: This sequence change creates a premature translational stop signal (p.Gln913*) in the MICAL1 gene. It is expected to result in an absent or disrupted protein product. However, the current clinical and genetic evidence is not sufficient to establish whether loss-of-function variants in MICAL1 cause disease. This variant is present in population databases (rs745637217, gnomAD 0.008%). This variant has not been reported in the literature in individuals affected with MICAL1-related conditions. ClinVar contains an entry for this variant (Variation ID: 1991315). In summary, the available evidence is currently insufficient to determine the role of this variant in disease. Therefore, it has been classified as a Variant of Uncertain Significance.